The following is an entry in ClinVar:

ClinVar aggregate classification (germline): Likely benign. Review status: criteria provided, multiple submitters, no conflicts (2 of 4 stars). 3 submissions from 3 submitters: Likely benign (2). 1 of the submissions does not count toward it. Last evaluated 2024-05-30.

Conditions:
EPHB4-related disorder. Also called: EPHB4-related condition; EPHB4-related disorders.
Cardiovascular phenotype. Identifiers: MedGen CN230736.

Allele frequency attached by ClinVar (database versions not stated): ExAC 0.00027.
gnomAD v4.1: 54 of 1,567,544 alleles (0.0034%); highest among the groups gnomAD compares: South Asian, 0.016%; no homozygotes.

Submissions (3):

Blueprint Genetics
Classification: Likely benign. Last evaluated: 2024-05-30. Review status: criteria provided, single submitter. Criteria: ACMG Guidelines, 2015. Collection method: clinical testing. Allele origin: germline.

Ambry Genetics
Classification: Likely benign for Cardiovascular phenotype. Last evaluated: 2020-09-12. Review status: criteria provided, single submitter. Criteria: Ambry Variant Classification Scheme 2023. Collection method: clinical testing. Allele origin: germline.

PreventionGenetics, part of Exact Sciences
Classification: Likely benign for EPHB4-related condition. Last evaluated: 2022-07-08. Review status: no assertion criteria provided. Collection method: clinical testing. Allele origin: germline. Not counted in ClinVar's aggregate classification.
Comment: This variant is classified as likely benign based on ACMG/AMP sequence variant interpretation guidelines (Richards et al. 2015 PMID: 25741868, with internal and published modifications).

NM_004444.5(EPHB4):c.753G>A (p.Thr251=)

Gene: EPHB4 (EPH receptor B4; minus strand). Cytogenetic location: 7q22.1.
Variant type: single nucleotide variant.
Coding change: c.753G>A on transcript NM_004444.5 (MANE Select); coding-DNA position 753, G replaced by A.
Protein change: p.Thr251=; no amino-acid change (threonine 251 retained).
Molecular consequence: synonymous variant.
Genome position (GRCh38, 1-based): chr7:100,822,326, C>T on the plus strand (G>A on the coding strand, the complement: EPHB4 is on the minus strand). VCF-style: chr7-100822326-C-T. GRCh37 (hg19) VCF-style: chr7-100419948-C-T.
Identifiers: ClinVar variation 1759433 (VCV001759433.5), dbSNP rs767523131, ClinGen allele CA4393218.